The following is an entry in ClinVar:

NM_000246.4(CIITA):c.2576T>G (p.Phe859Cys)

Gene: CIITA (class II major histocompatibility complex transactivator; plus strand). Cytogenetic location: 16p13.13.
Variant type: single nucleotide variant.
Coding change: c.2576T>G on transcript NM_000246.4 (MANE Select); coding-DNA position 2576, T replaced by G.
Protein change: p.Phe859Cys; replaces phenylalanine 859 with cysteine.
Molecular consequence: missense variant. On other transcripts: intron variant (1).
Genome position (GRCh38, 1-based): chr16:10,908,068, T>G. VCF-style: chr16-10908068-T-G. GRCh37 (hg19) VCF-style: chr16-11001925-T-G.
Other names: c.2579T>G, p.Phe860Cys (NM_001286402.1, NM_001379332.1); c.2432T>G, p.Phe811Cys (NM_001379330.1); c.2429T>G, p.Phe810Cys (NM_001379331.1); c.2576T>G, p.Phe859Cys (NM_001379333.1); c.2507T>G, p.Phe836Cys (NM_001379334.1); c.860-915T>G (NM_001286403.2); short protein forms F860C, F859C, F810C, F811C, F836C.
Identifiers: ClinVar variation 851665 (VCV000851665.7), dbSNP rs750247700, ClinGen allele CA7900409.

ClinVar aggregate classification (germline): Uncertain significance (1 of 4 stars; one submission).

Conditions:
MHC class II deficiency. Also called: Bare lymphocyte syndrome 2; BLS, TYPE II. Identifiers: Orphanet 572, MedGen C5447452, MONDO:0008855.

Allele frequency attached by ClinVar (database versions not stated): ExAC 0.00001; gnomAD 0.00001; gnomAD exomes 0.00001 and below 0.00001; TOPMed below 0.00001.
gnomAD v4.1: 9 of 1,612,614 alleles (0.00056%); highest among the groups gnomAD compares: Non-Finnish European, 0.00076%; no homozygotes.

Submission:

Labcorp Genetics (formerly Invitae), Labcorp
Classification: Uncertain significance for MHC class II deficiency. Last evaluated: 2021-09-01. Review status: criteria provided, single submitter. Criteria: Invitae Variant Classification Sherloc (09022015). Collection method: clinical testing. Allele origin: germline.
Comment: This sequence change replaces phenylalanine with cysteine at codon 859 of the CIITA protein (p.Phe859Cys). The phenylalanine residue is highly conserved and there is a large physicochemical difference between phenylalanine and cysteine. This variant is present in population databases (rs750247700, ExAC 0.002%). This variant has not been reported in the literature in individuals affected with CIITA-related conditions. Algorithms developed to predict the effect of missense changes on protein structure and function (SIFT, PolyPhen-2, Align-GVGD) all suggest that this variant is likely to be disruptive. In summary, the available evidence is currently insufficient to determine the role of this variant in disease. Therefore, it has been classified as a Variant of Uncertain Significance.